The following is an entry in ClinVar:

NM_015166.4(MLC1):c.881C>T (p.Pro294Leu)

Gene: MLC1 (modulator of VRAC current 1; minus strand). Cytogenetic location: 22q13.33.
Variant type: single nucleotide variant.
Coding change: c.881C>T on transcript NM_015166.4 (MANE Select); coding-DNA position 881, C replaced by T.
Protein change: p.Pro294Leu; replaces proline 294 with leucine.
Molecular consequence: missense variant. On other transcripts: non-coding transcript variant (3).
Genome position (GRCh38, 1-based): chr22:50,068,446, G>A on the plus strand (C>T on the coding strand, the complement: MLC1 is on the minus strand). VCF-style: chr22-50068446-G-A. GRCh37 (hg19) VCF-style: chr22-50506875-G-A.
Other names: c.881C>T, p.Pro294Leu (NM_001376472.1, NM_001376473.1, NM_001376474.1 and 5 more transcripts); c.824C>T, p.Pro275Leu (NM_001376479.1); c.791C>T, p.Pro264Leu (NM_001376480.1); c.779C>T, p.Pro260Leu (NM_001376481.1); c.725C>T, p.Pro242Leu (NM_001376482.1, NM_001376483.1); c.644C>T, p.Pro215Leu (NM_001376484.1); short protein forms P260L, P242L, P264L, P215L, P294L, P275L.
Identifiers: ClinVar variation 1455282 (VCV001455282.14), dbSNP rs1050220787, ClinGen allele CA325485221.
Genomic context (GRCh38, chr22:50,068,446, plus strand): 5'-GCAGAGCACCACATGTCTGGGGGGCTCTGAAATAAAATACAACTCACTTTTATGGCTGGC[G>A]GGTAATCCTTAAACATCTCCACGATTCTCATGATGCTGAATGACAGATATCCAGAGGCTG-3'
Protein context (NP_055981.1, residues 284-304): MRIVEMFKDY[Pro294Leu]PAIKPSYDVL

ClinVar aggregate classification (germline): Pathogenic/Likely pathogenic. Review status: criteria provided, multiple submitters, no conflicts (2 of 4 stars). 5 submissions from 5 submitters: Pathogenic (3); Likely pathogenic (2). Last evaluated 2025-04-21.

Conditions:
Megalencephalic leukoencephalopathy with subcortical cysts. Also called: VAN DER KNAAP DISEASE. Identifiers: Orphanet 2478, MedGen C1858854, MONDO:0011391.
Megalencephalic leukoencephalopathy with subcortical cysts 1 (MLC1). Also called: LEUKOENCEPHALOPATHY WITH SWELLING AND CYSTS; VACUOLATING MEGALENCEPHALIC LEUKOENCEPHALOPATHY WITH SUBCORTICAL CYSTS. Identifiers: Orphanet 2478, MedGen C5779875, MONDO:0024555, OMIM 604004.

Allele frequency attached by ClinVar (database versions not stated): gnomAD exomes below 0.00001; gnomAD 0.00001; TOPMed 0.00002.
gnomAD v4.1: 5 of 1,613,658 alleles (0.00031%); highest among the groups gnomAD compares: South Asian, 0.0011%; no homozygotes.

Submissions (5):

Natera, Inc.
Classification: Likely pathogenic for Megalencephalic leukoencephalopathy with subcortical cysts. Last evaluated: 2025-04-21. Review status: criteria provided, single submitter. Criteria: Natera Variant Classification Schema (03/2026). Collection method: clinical testing. Allele origin: germline.
Comment: The c.881C>T variant in MLC1 is a missense variant predicted to cause substitution of proline to leucine at amino acid 294. This variant is rare in the general population with a frequency below the threshold expected for the associated phenotype(s). This variant has been observed in one or more individuals affected with the associated recessive disease, as either homozygous or compound heterozygous with a second variant (PMID: 18757878, 24315536, 27322623). This variant has been observed to segregate in affected family members (PMID: 24315536). Functional studies show that this variant may disrupt protein function (PMID: 18757878). Computational prediction algorithms indicate this variant is likely to affect gene or protein function. Given the available evidence, this variant is classified as Likely Pathogenic.

Revvity Omics, Revvity
Classification: Pathogenic for Megalencephalic leukoencephalopathy with subcortical cysts 1. Last evaluated: 2024-09-30. Review status: criteria provided, single submitter. Criteria: ACMG Guidelines, 2015. Collection method: clinical testing. Allele origin: germline.

Fulgent Genetics
Classification: Likely pathogenic for Megalencephalic leukoencephalopathy with subcortical cysts 1. Last evaluated: 2024-06-16. Review status: criteria provided, single submitter. Criteria: ACMG Guidelines, 2015. Collection method: clinical testing. Allele origin: germline.

Labcorp Genetics (formerly Invitae), Labcorp
Classification: Pathogenic. Last evaluated: 2023-04-08. Review status: criteria provided, single submitter. Criteria: Invitae Variant Classification Sherloc (09022015). Collection method: clinical testing. Allele origin: germline.
Comment: For these reasons, this variant has been classified as Pathogenic. Experimental studies have shown that this missense change affects MLC1 function (PMID: 18757878). Advanced modeling of protein sequence and biophysical properties (such as structural, functional, and spatial information, amino acid conservation, physicochemical variation, residue mobility, and thermodynamic stability) performed at Invitae indicates that this missense variant is not expected to disrupt MLC1 protein function. ClinVar contains an entry for this variant (Variation ID: 1455282). This missense change has been observed in individual(s) with megalencephalic leukoencephalopathy with subcortical cysts (PMID: 12939431, 24315536, 27322623). In at least one individual the data is consistent with being in trans (on the opposite chromosome) from a pathogenic variant. This variant is present in population databases (no rsID available, gnomAD 0.0009%). This sequence change replaces proline, which is neutral and non-polar, with leucine, which is neutral and non-polar, at codon 294 of the MLC1 protein (p.Pro294Leu).

Women's Health and Genetics/Laboratory Corporation of America, LabCorp
Classification: Pathogenic for Megalencephalic leukoencephalopathy with subcortical cysts. Last evaluated: 2022-10-08. Review status: criteria provided, single submitter. Criteria: LabCorp Variant Classification Summary - May 2015. Collection method: clinical testing. Allele origin: germline.
Comment: Variant summary: MLC1 c.881C>T (p.Pro294Leu) results in a non-conservative amino acid change in the encoded protein sequence. Five of five in-silico tools predict a damaging effect of the variant on protein function. The variant allele was found at a frequency of 4e-06 in 251352 control chromosomes. c.881C>T has been reported in the literature as biallelic homozygous or compound heterozygous genotypes in multiple individuals affected with Megalencephalic Leukoencephalopathy With Subcortical Cysts 1 (example, Cao_2016, Patrono_2003, Amin_2022). These data indicate that the variant is very likely to be associated with disease. To our knowledge, no experimental evidence demonstrating an impact on protein function has been reported. One clinical diagnostic laboratory has submitted clinical-significance assessments for this variant to ClinVar after 2014 without evidence for independent evaluation and classified the variant as pathogenic. Based on the evidence outlined above, the variant was classified as pathogenic.

Literature cited by the submitters: PubMed 18757878 (cited by 3 submitters); PubMed 24315536 (cited by 3 submitters); PubMed 27322623 (cited by 3 submitters); PubMed 12939431 (cited by Labcorp Genetics (formerly Invitae), Labcorp and Women's Health and Genetics/Laboratory Corporation of America, LabCorp); PubMed 34504271 (cited by Women's Health and Genetics/Laboratory Corporation of America, LabCorp).